The following is an entry in ClinVar:

NM_000059.4(BRCA2):c.3644G>A (p.Gly1215Glu)

Gene: BRCA2 (BRCA2 DNA repair associated; plus strand). Cytogenetic location: 13q13.1.
Variant type: single nucleotide variant.
Coding change: c.3644G>A on transcript NM_000059.4 (MANE Select); coding-DNA position 3644, G replaced by A.
Protein change: p.Gly1215Glu; replaces glycine 1215 with glutamic acid.
Molecular consequence: missense variant.
Genome position (GRCh38, 1-based): chr13:32,337,999, G>A. VCF-style: chr13-32337999-G-A. GRCh37 (hg19) VCF-style: chr13-32912136-G-A.
Other names: short protein forms G1215E.
Identifiers: ClinVar variation 462303 (VCV000462303.21), dbSNP rs773442698, ClinGen allele CA6940712.

ClinVar aggregate classification (germline): Conflicting classifications of pathogenicity. Review status: criteria provided, conflicting classifications (1 of 4 stars). 6 submissions from 6 submitters: Uncertain significance (4); Likely benign (2). Last evaluated 2025-05-19.

Conditions:
Hereditary breast ovarian cancer syndrome. Also called: Hereditary breast and ovarian cancer syndrome; Breast and ovarian cancer; Hereditary breast and/or ovarian cancer syndrome; Hereditary breast and ovarian cancer syndrome (HBOC); Hereditary breast and ovarian cancer; BRCA1- and BRCA2-Associated Hereditary Breast and Ovarian Cancer. Identifiers: Orphanet 145, MedGen C0677776, MeSH D061325, MONDO:0003582. Disease mechanism: loss of function.
Hereditary cancer-predisposing syndrome. Also called: Neoplastic Syndromes, Hereditary; Hereditary Cancer Syndrome; Hereditary neoplastic syndrome; Tumor predisposition. Identifiers: Orphanet 140162, MedGen C0027672, MeSH D009386, MONDO:0015356.
Ovarian cancer. Also called: OVARIAN CANCER, SOMATIC. Identifiers: Orphanet 213500, MedGen C1140680, MONDO:0008170, OMIM 167000.

Allele frequency attached by ClinVar (database versions not stated): gnomAD exomes 0.00001; ExAC 0.00002.
gnomAD v4.1: 10 of 1,613,188 alleles (0.00062%); highest among the groups gnomAD compares: South Asian, 0.0099%; no homozygotes.

Submissions (6):

Labcorp Genetics (formerly Invitae), Labcorp
Classification: Uncertain significance for Hereditary breast ovarian cancer syndrome. Last evaluated: 2025-05-19. Review status: criteria provided, single submitter. Criteria: Invitae Variant Classification Sherloc (09022015). Collection method: clinical testing. Allele origin: germline.
Comment: This sequence change replaces glycine, which is neutral and non-polar, with glutamic acid, which is acidic and polar, at codon 1215 of the BRCA2 protein (p.Gly1215Glu). This variant is present in population databases (rs773442698, gnomAD 0.007%). This variant has not been reported in the literature in individuals affected with BRCA2-related conditions. ClinVar contains an entry for this variant (Variation ID: 462303). Invitae Evidence Modeling of protein sequence and biophysical properties (such as structural, functional, and spatial information, amino acid conservation, physicochemical variation, residue mobility, and thermodynamic stability) indicates that this missense variant is not expected to disrupt BRCA2 protein function with a negative predictive value of 95%. In summary, the available evidence is currently insufficient to determine the role of this variant in disease. Therefore, it has been classified as a Variant of Uncertain Significance.

University of Washington Department of Laboratory Medicine, University of Washington
Classification: Likely benign for Hereditary cancer-predisposing syndrome. Last evaluated: 2023-03-23. Review status: criteria provided, single submitter. Criteria: Dines et al. (Genet Med. 2020). Collection method: curation. Allele origin: germline.
Comment: Missense variant in a coldspot region where missense variants are very unlikely to be pathogenic (PMID:31911673).

BRCA2 exon 11 coldspot. Reclassification based on statistical prior probability.

Quest Diagnostics Nichols Institute San Juan Capistrano
Classification: Uncertain significance. Last evaluated: 2023-03-03. Review status: criteria provided, single submitter. Criteria: Quest Diagnostics criteria. Collection method: clinical testing. Allele origin: unknown.
Comment: The frequency of this variant in the general population, 0.000008 (2/250596 chromosomes), is uninformative in assessment of its pathogenicity. In a breast cancer association study, the variant was observed in a breast cancer case and in a control individual (PMID: 33471991 (2021)). Analysis of this variant using bioinformatics tools for the prediction of the effect of amino acid changes on protein structure and function yielded predictions that this variant is benign. Based on the available information, we are unable to determine the clinical significance of this variant.

Genetics and Molecular Pathology, SA Pathology
Classification: Uncertain significance for Ovarian cancer. Last evaluated: 2020-08-10. Review status: criteria provided, single submitter. Criteria: ACMG Guidelines, 2015. Collection method: clinical testing. Allele origin: germline. Affected: yes.

Color Diagnostics, LLC DBA Color Health
Classification: Uncertain significance for Hereditary cancer-predisposing syndrome. Last evaluated: 2020-02-03. Review status: criteria provided, single submitter. Criteria: ACMG Guidelines, 2015. Collection method: clinical testing. Allele origin: germline.
Comment: This missense variant replaces glycine with glutamic acid at codon 1215 of the BRCA2 protein. Computational prediction suggests that this variant may not impact protein structure and function (internally defined REVEL score threshold <= 0.5, PMID: 27666373). Splice site prediction tools suggest that this variant may not impact RNA splicing. To our knowledge, functional studies have not been performed for this variant. This variant has not been reported in individuals affected with hereditary cancer in the literature. This variant has been identified in 2/250596 chromosomes in the general population by the Genome Aggregation Database (gnomAD). The available evidence is insufficient to determine the role of this variant in disease conclusively. Therefore, this variant is classified as a Variant of Uncertain Significance.

Ambry Genetics
Classification: Likely benign for Hereditary cancer-predisposing syndrome. Last evaluated: 2018-05-29. Review status: criteria provided, single submitter. Criteria: Ambry Variant Classification Scheme 2023. Collection method: clinical testing. Allele origin: germline.

Literature cited by the submitters: PubMed 33471991 (cited by Quest Diagnostics Nichols Institute San Juan Capistrano).